The following is an entry in ClinVar:

ClinVar aggregate classification (germline): Uncertain significance (1 of 4 stars; one submission).

Conditions:
Childhood onset GLUT1 deficiency syndrome 2. Also called: PxMD-SLC2A1; PAROXYSMAL EXERCISE-INDUCED DYSKINESIA WITH OR WITHOUT EPILEPSY AND/OR HEMOLYTIC ANEMIA; PAROXYSMAL EXERTION-INDUCED DYSTONIA WITH OR WITHOUT EPILEPSY AND/OR HEMOLYTIC ANEMIA; PED WITH OR WITHOUT EPILEPSY AND/OR HEMOLYTIC ANEMIA; Exertion-induced paroxysmal dyskinesia; Paroxysmal exercise-induced dystonia. Identifiers: Orphanet 98811, MedGen C1842534, MONDO:0012805, OMIM 612126.

Submission:

MGZ Medical Genetics Center
Classification: Uncertain significance for Childhood onset GLUT1 deficiency syndrome 2. Last evaluated: 2022-02-22. Review status: criteria provided, single submitter. Criteria: ACMG Guidelines, 2015. Collection method: clinical testing. Allele origin: germline. Affected: yes. Observed: 1 variant allele.
Comment: ACMG criteria applied: PM2_SUP, BP4

NM_006516.4(SLC2A1):c.1436C>A (p.Pro479His)

Gene: SLC2A1 (solute carrier family 2 member 1; minus strand). Cytogenetic location: 1p34.2.
Variant type: single nucleotide variant.
Coding change: c.1436C>A on transcript NM_006516.4 (MANE Select); coding-DNA position 1436, C replaced by A.
Protein change: p.Pro479His; replaces proline 479 with histidine.
Molecular consequence: missense variant.
Genome position (GRCh38, 1-based): chr1:42,927,084, G>T on the plus strand (C>A on the coding strand, the complement: SLC2A1 is on the minus strand). VCF-style: chr1-42927084-G-T. GRCh37 (hg19) VCF-style: chr1-43392755-G-T.
Other names: short protein forms P479H.
Identifiers: ClinVar variation 1709236 (VCV001709236.2), dbSNP rs1643434594, ClinGen allele CA339952588.